The following is an entry in ClinVar:

NM_000784.4(CYP27A1):c.733G>C (p.Gly245Arg)

Gene: CYP27A1 (cytochrome P450 family 27 subfamily A member 1; plus strand). Cytogenetic location: 2q35.
Variant type: single nucleotide variant.
Coding change: c.733G>C on transcript NM_000784.4 (MANE Select); coding-DNA position 733, G replaced by C.
Protein change: p.Gly245Arg; replaces glycine 245 with arginine.
Molecular consequence: missense variant.
Genome position (GRCh38, 1-based): chr2:218,812,638, G>C. VCF-style: chr2-218812638-G-C. GRCh37 (hg19) VCF-style: chr2-219677361-G-C.
Other names: p.Gly245Arg; short protein forms G245R.
Identifiers: ClinVar variation 1758408 (VCV001758408.3), dbSNP rs746666035, ClinGen allele CA2112707.

ClinVar aggregate classification (germline): Uncertain significance. Review status: criteria provided, multiple submitters, no conflicts (2 of 4 stars). 2 submissions from 2 submitters: Uncertain significance (2). Last evaluated 2024-06-04.

Conditions:
Cardiovascular phenotype. Identifiers: MedGen CN230736.

Allele frequency attached by ClinVar (database versions not stated): ExAC 0.00001.
gnomAD v4.1: 2 of 1,614,162 alleles (0.00012%); highest among the groups gnomAD compares: Non-Finnish European, 0.00017%; no homozygotes.

Submissions (2):

Mayo Clinic Laboratories, Mayo Clinic
Classification: Uncertain significance. Last evaluated: 2024-06-04. Review status: criteria provided, single submitter. Criteria: ACMG Guidelines, 2015. Collection method: clinical testing. Allele origin: germline. Observed: 1 variant allele.

Ambry Genetics
Classification: Uncertain significance for Cardiovascular phenotype. Last evaluated: 2022-07-10. Review status: criteria provided, single submitter. Criteria: Ambry Variant Classification Scheme 2023. Collection method: clinical testing. Allele origin: germline.
Comment: The p.G245R variant (also known as c.733G>C), located in coding exon 4 of the CYP27A1 gene, results from a G to C substitution at nucleotide position 733. The glycine at codon 245 is replaced by arginine, an amino acid with dissimilar properties. This amino acid position is conserved. In addition, this alteration is predicted to be tolerated by in silico analysis. Since supporting evidence is limited at this time, the clinical significance of this alteration remains unclear.